The following is an entry in ClinVar:

NM_004183.4(BEST1):c.1133A>G (p.Asn378Ser)

Gene: BEST1 (bestrophin 1; plus strand). Cytogenetic location: 11q12.3.
Variant type: single nucleotide variant.
Coding change: c.1133A>G on transcript NM_004183.4 (MANE Select); coding-DNA position 1133, A replaced by G.
Protein change: p.Asn378Ser; replaces asparagine 378 with serine.
Molecular consequence: missense variant. On other transcripts: non-coding transcript variant (1).
Genome position (GRCh38, 1-based): chr11:61,962,287, A>G. VCF-style: chr11-61962287-A-G. GRCh37 (hg19) VCF-style: chr11-61729759-A-G.
Other names: c.953A>G, p.Asn318Ser (NM_001139443.3, NM_001300787.2); c.872A>G, p.Asn291Ser (NM_001300786.2); c.815A>G, p.Asn272Ser (NM_001363591.3); c.*28A>G (NM_001363592.2); c.161A>G, p.Asn54Ser (NM_001363593.3); short protein forms N272S, N318S, N378S, N291S, N54S.
Identifiers: ClinVar variation 716563 (VCV000716563.13), dbSNP rs199998058, ClinGen allele CA6041004.

ClinVar aggregate classification (germline): Conflicting classifications of pathogenicity. Review status: criteria provided, conflicting classifications (1 of 4 stars). 4 submissions from 4 submitters: Uncertain significance (1); Benign (1); Likely benign (2). Last evaluated 2026-01-03.

Conditions:
BEST1-related disorder. Also called: BEST1-related disorders; BEST1-related condition. Identifiers: MedGen CN239200.

Allele frequency attached by ClinVar (database versions not stated): gnomAD 0.00003 and 0.00005; gnomAD exomes 0.00009 and 0.00040; TOPMed 0.00021; ExAC 0.00031; 1000 Genomes Project 0.00060; 1000 Genomes Project 30x 0.00062.
gnomAD v4.1: 129 of 1,614,174 alleles (0.008%); highest among the groups gnomAD compares: Admixed American, 0.21%; no homozygotes.

Submissions (4):

Labcorp Genetics (formerly Invitae), Labcorp
Classification: Likely benign. Last evaluated: 2026-01-03. Review status: criteria provided, single submitter. Criteria: Invitae Variant Classification Sherloc (09022015). Collection method: clinical testing. Allele origin: germline.

PreventionGenetics, part of Exact Sciences
Classification: Likely benign for BEST1-related condition. Last evaluated: 2025-03-18. Review status: criteria provided, single submitter. Criteria: ACMG Guidelines, 2015. Collection method: clinical testing. Allele origin: germline.
Comment: This variant is classified as likely benign based on ACMG/AMP sequence variant interpretation guidelines (Richards et al. 2015 PMID: 25741868, with internal and published modifications).

GeneDx
Classification: Uncertain significance. Last evaluated: 2023-09-19. Review status: criteria provided, single submitter. Criteria: GeneDx Variant Classification Process June 2021. Collection method: clinical testing. Allele origin: germline. Affected: yes.
Comment: In silico analysis supports that this missense variant does not alter protein structure/function; Has not been previously published as pathogenic or benign to our knowledge

Blueprint Genetics
Classification: Benign. Last evaluated: 2022-11-06. Review status: criteria provided, single submitter. Criteria: ACMG Guidelines, 2015. Collection method: clinical testing. Allele origin: germline.